The following is an entry in ClinVar:

NM_004385.5(VCAN):c.6037G>A (p.Glu2013Lys)

Genes: VCAN (versican; plus strand), VCAN-AS1 (VCAN antisense RNA 1; minus strand). Cytogenetic location: 5q14.3.
Variant type: single nucleotide variant.
Coding change: c.6037G>A on transcript NM_004385.5 (MANE Select); coding-DNA position 6037, G replaced by A.
Protein change: p.Glu2013Lys; replaces glutamic acid 2013 with lysine.
Molecular consequence: missense variant. On other transcripts: intron variant (2).
Genome position (GRCh38, 1-based): chr5:83,539,040, G>A. VCF-style: chr5-83539040-G-A. GRCh37 (hg19) VCF-style: chr5-82834859-G-A.
Other names: c.3076G>A, p.Glu1026Lys (NM_001164097.2); c.4004-6497G>A (NM_001164098.2); c.1043-6497G>A (NM_001126336.3); short protein forms E1026K, E2013K.
Identifiers: ClinVar variation 2631179 (VCV002631179.1), dbSNP rs368478918, ClinGen allele CA3333413.

ClinVar aggregate classification (germline): Uncertain significance (1 of 4 stars; one submission).

Conditions:
VCAN-related disorder. Also called: VCAN-related condition.

Allele frequency attached by ClinVar (database versions not stated): ExAC 0.00001; gnomAD exomes 0.00001; ESP Exome Variant Server 0.00008.
gnomAD v4.1: 7 of 1,613,996 alleles (0.00043%); highest among the groups gnomAD compares: Non-Finnish European, 0.00059%; no homozygotes.

Submission:

PreventionGenetics, part of Exact Sciences
Classification: Uncertain significance for VCAN-related condition. Last evaluated: 2023-06-30. Review status: criteria provided, single submitter. Criteria: ACMG Guidelines, 2015. Collection method: clinical testing. Allele origin: germline.
Comment: The VCAN c.6037G>A variant is predicted to result in the amino acid substitution p.Glu2013Lys. To our knowledge, this variant has not been reported in the literature. This variant is reported in 0.0023% of alleles in individuals of European (Non-Finnish) descent in gnomAD. At this time, the clinical significance of this variant is uncertain due to the absence of conclusive functional and genetic evidence.